The following is an entry in ClinVar:

ClinVar aggregate classification (germline): Conflicting classifications of pathogenicity. Review status: criteria provided, conflicting classifications (1 of 4 stars). 8 submissions from 6 submitters: Uncertain significance (2); Benign (1); Likely benign (5). Last evaluated 2026-04-01.

Conditions:
Hereditary spherocytosis type 3. Also called: SPTA1-Related Spherocytosis; Spherocytosis type 3. Identifiers: Orphanet 822, MedGen C2678338, MONDO:0010053, OMIM 270970.
Elliptocytosis 2 (EL2). Also called: ELLIPTOCYTOSIS, RHESUS-UNLINKED TYPE. Identifiers: Orphanet 288, MedGen C1851741, MONDO:0007533, OMIM 130600.
Pyropoikilocytosis, hereditary. Also called: Pyropoikilocytosis. Identifiers: MedGen C0520739, MONDO:0009948, OMIM 266140, HP:0004839. Disease mechanism: loss of function.

Allele frequency attached by ClinVar (database versions not stated): 1000 Genomes Project 30x 0.00047; 1000 Genomes Project 0.00060; gnomAD 0.00125; ExAC 0.00136; TOPMed 0.00146; gnomAD exomes 0.00149 and 0.00194; ESP Exome Variant Server 0.00176.
gnomAD v4.1: 3,036 of 1,612,842 alleles (0.19%); highest among the groups gnomAD compares: Middle Eastern, 0.32%; 4 homozygotes.

Submissions (8):

CeGaT Center for Human Genetics Tuebingen
Classification: Likely benign. Last evaluated: 2026-04-01. Review status: criteria provided, single submitter. Criteria: CeGaT Center For Human Genetics Tuebingen Variant Classification Criteria Version 2. Collection method: clinical testing. Allele origin: germline. Affected: yes. Observed: 3 variant alleles.
Comment: SPTA1: BP4, BP7

Labcorp Genetics (formerly Invitae), Labcorp
Classification: Benign. Last evaluated: 2025-12-11. Review status: criteria provided, single submitter. Criteria: Invitae Variant Classification Sherloc (09022015). Collection method: clinical testing. Allele origin: germline.

Mayo Clinic Laboratories, Mayo Clinic
Classification: Likely benign. Last evaluated: 2025-07-22. Review status: criteria provided, single submitter. Criteria: ACMG Guidelines, 2015. Collection method: clinical testing. Allele origin: germline. Observed: 9 variant alleles.
Comment: BP4, BP7

ARUP Laboratories, Molecular Genetics and Genomics, ARUP Laboratories
Classification: Likely benign. Last evaluated: 2025-03-14. Review status: criteria provided, single submitter. Criteria: ARUP Molecular Germline Variant Investigation Process 2024. Collection method: clinical testing. Allele origin: germline.

Blueprint Genetics
Classification: Likely benign. Last evaluated: 2024-11-19. Review status: criteria provided, single submitter. Criteria: ACMG Guidelines, 2015. Collection method: clinical testing. Allele origin: germline.

Illumina Laboratory Services, Illumina
Classification: Uncertain significance for Pyropoikilocytosis, hereditary. Last evaluated: 2018-01-13. Review status: criteria provided, single submitter. Criteria: ICSL Variant Classification Criteria 13 December 2019. Collection method: clinical testing. Allele origin: germline.

Illumina Laboratory Services, Illumina
Classification: Uncertain significance for Hereditary spherocytosis type 3. Last evaluated: 2018-01-13. Review status: criteria provided, single submitter. Criteria: ICSL Variant Classification Criteria 13 December 2019. Collection method: clinical testing. Allele origin: germline.

Illumina Laboratory Services, Illumina
Classification: Likely benign for Elliptocytosis 2. Last evaluated: 2018-01-13. Review status: criteria provided, single submitter. Criteria: ICSL Variant Classification Criteria 13 December 2019. Collection method: clinical testing. Allele origin: germline.
Comment: This variant was observed in the ICSL laboratory as part of a predisposition screen in an ostensibly healthy population. It had not been previously curated by ICSL or reported in the Human Gene Mutation Database (HGMD: prior to June 1st, 2018), and was therefore a candidate for classification through an automated scoring system. Utilizing variant allele frequency, disease prevalence and penetrance estimates, and inheritance mode, an automated score was calculated to assess if this variant is too frequent to cause the disease. Based on the score and internal cut-off values, a variant classified as likely benign is not then subjected to further curation. The score for this variant resulted in a classification of likely benign for this disease.

NM_003126.4(SPTA1):c.6132G>C (p.Leu2044=)

Gene: SPTA1 (spectrin alpha, erythrocytic 1; minus strand). Cytogenetic location: 1q23.1.
Variant type: single nucleotide variant.
Coding change: c.6132G>C on transcript NM_003126.4 (MANE Select); coding-DNA position 6132, G replaced by C.
Protein change: p.Leu2044=; no amino-acid change (leucine 2044 retained).
Molecular consequence: synonymous variant.
Genome position (GRCh38, 1-based): chr1:158,620,455, C>G on the plus strand (G>C on the coding strand, the complement: SPTA1 is on the minus strand). VCF-style: chr1-158620455-C-G. GRCh37 (hg19) VCF-style: chr1-158590245-C-G.
Identifiers: ClinVar variation 292956 (VCV000292956.35), dbSNP rs186987240, ClinGen allele CA1182059.